The following is an entry in ClinVar:

NM_006739.4(MCM5):c.2197C>T (p.Leu733Phe)

Gene: MCM5 (minichromosome maintenance complex component 5; plus strand). Cytogenetic location: 22q12.3.
Variant type: single nucleotide variant.
Coding change: c.2197C>T on transcript NM_006739.4 (MANE Select); coding-DNA position 2197, C replaced by T.
Protein change: p.Leu733Phe; replaces leucine 733 with phenylalanine.
Molecular consequence: missense variant.
Genome position (GRCh38, 1-based): chr22:35,424,247, C>T. VCF-style: chr22-35424247-C-T. GRCh37 (hg19) VCF-style: chr22-35820240-C-T.
Other names: short protein forms L733F.
Identifiers: ClinVar variation 4798268 (VCV004798268.1).

ClinVar aggregate classification (germline): Uncertain significance (1 of 4 stars; one submission).

Submission:

Labcorp Genetics (formerly Invitae), Labcorp
Classification: Uncertain significance. Last evaluated: 2025-03-22. Review status: criteria provided, single submitter. Criteria: Invitae Variant Classification Sherloc (09022015). Collection method: clinical testing. Allele origin: germline.
Comment: This sequence change replaces leucine, which is neutral and non-polar, with phenylalanine, which is neutral and non-polar, at codon 733 of the MCM5 protein (p.Leu733Phe). This variant is not present in population databases (gnomAD no frequency). This variant has not been reported in the literature in individuals affected with MCM5-related conditions. An algorithm developed to predict the effect of missense changes on protein structure and function (PolyPhen-2) suggests that this variant is likely to be tolerated. In summary, the available evidence is currently insufficient to determine the role of this variant in disease. Therefore, it has been classified as a Variant of Uncertain Significance.